The following is an entry in ClinVar:

ClinVar aggregate classification (germline): Pathogenic (1 of 4 stars; one submission).

Conditions:
Sphingolipid activator protein 1 deficiency. Also called: Metachromatic leukodystrophy due to saposin B deficiency; Saposin B Deficiency; METACHROMATIC LEUKODYSTROPHY DUE TO CEREBROSIDE SULFATASE ACTIVATOR DEFICIENCY. Identifiers: Orphanet 512, MedGen C0268262, MONDO:0009590, OMIM 249900.

Submission:

Labcorp Genetics (formerly Invitae), Labcorp
Classification: Pathogenic for Sphingolipid activator protein 1 deficiency. Last evaluated: 2023-03-16. Review status: criteria provided, single submitter. Criteria: Invitae Variant Classification Sherloc (09022015). Collection method: clinical testing. Allele origin: germline.
Comment: For these reasons, this variant has been classified as Pathogenic. This variant has not been reported in the literature in individuals affected with PSAP-related conditions. This variant is not present in population databases (gnomAD no frequency). This sequence change creates a premature translational stop signal (p.Glu356*) in the PSAP gene. It is expected to result in an absent or disrupted protein product. Loss-of-function variants in PSAP are known to be pathogenic (PMID: 8554069, 11309366, 17616409, 19267410, 30632081).

Literature cited by the submitters: PubMed 8554069; PubMed 11309366; PubMed 17616409; PubMed 19267410; PubMed 30632081.

NM_002778.4(PSAP):c.1066G>T (p.Glu356Ter)

Gene: PSAP (prosaposin; minus strand). Cytogenetic location: 10q22.1.
Variant type: single nucleotide variant.
Coding change: c.1066G>T on transcript NM_002778.4 (MANE Select); coding-DNA position 1066, G replaced by T.
Protein change: p.Glu356Ter; replaces glutamic acid 356 with a stop codon.
Molecular consequence: nonsense.
Genome position (GRCh38, 1-based): chr10:71,819,840, C>A on the plus strand (G>T on the coding strand, the complement: PSAP is on the minus strand). VCF-style: chr10-71819840-C-A. GRCh37 (hg19) VCF-style: chr10-73579597-C-A.
Other names: c.1075G>T, p.Glu359Ter (NM_001042465.3); c.1072G>T, p.Glu358Ter (NM_001042466.3); short protein forms E356*, E359*, E358*.
Identifiers: ClinVar variation 2846277 (VCV002846277.3), dbSNP rs2494498245, ClinGen allele CA377144688.